The following is an entry in ClinVar:

NM_002125.4(HLA-DRB5):c.378T>C (p.Pro126=)

Gene: HLA-DRB5 (major histocompatibility complex, class II, DR beta 5; minus strand). Cytogenetic location: 6p21.32.
Variant type: single nucleotide variant.
Coding change: c.378T>C on transcript NM_002125.4 (MANE Select); coding-DNA position 378, T replaced by C.
Protein change: p.Pro126=; no amino-acid change (proline 126 retained).
Molecular consequence: synonymous variant.
Genome position (GRCh38, 1-based): chr6:32,519,644, A>G on the plus strand (T>C on the coding strand, the complement: HLA-DRB5 is on the minus strand). VCF-style: chr6-32519644-A-G. GRCh37 (hg19) VCF-style: chr6-32487421-A-G.
Identifiers: ClinVar variation 2656453 (VCV002656453.24), dbSNP rs2480899185, ClinGen allele CA449739478.

ClinVar aggregate classification (germline): Likely benign (1 of 4 stars; one submission).

Submission:

CeGaT Center for Human Genetics Tuebingen
Classification: Likely benign. Last evaluated: 2025-03-01. Review status: criteria provided, single submitter. Criteria: CeGaT Center For Human Genetics Tuebingen Variant Classification Criteria Version 2. Collection method: clinical testing. Allele origin: germline. Affected: yes. Observed: 2 variant alleles.
Comment: HLA-DRB5: BP4, BP7